The following is an entry in ClinVar:

NM_001378120.1(MBD5):c.1450A>G (p.Ser484Gly)

Gene: MBD5 (methyl-CpG binding domain protein 5; plus strand). Cytogenetic location: 2q23.1.
Variant type: single nucleotide variant.
Coding change: c.1450A>G on transcript NM_001378120.1 (MANE Select); coding-DNA position 1450, A replaced by G.
Protein change: p.Ser484Gly; replaces serine 484 with glycine.
Molecular consequence: missense variant.
Genome position (GRCh38, 1-based): chr2:148,469,393, A>G. VCF-style: chr2-148469393-A-G. GRCh37 (hg19) VCF-style: chr2-149226962-A-G.
Other names: c.1450A>G, p.Ser484Gly (NM_018328.5); short protein forms S484G.
Identifiers: ClinVar variation 3680040 (VCV003680040.2).

ClinVar aggregate classification (germline): Uncertain significance (1 of 4 stars; one submission).

Conditions:
Intellectual developmental disorder, autosomal dominant 1. Also called: MBD5 Haploinsufficiency; Intellectual disability, autosomal dominant 1. Identifiers: Orphanet 228402, MedGen C1969562, MONDO:0007974, OMIM 156200.

gnomAD v4.1: 2 of 1,613,810 alleles (0.00012%); highest among the groups gnomAD compares: East Asian, 0.0022%; no homozygotes.

Submission:

Labcorp Genetics (formerly Invitae), Labcorp
Classification: Uncertain significance for Intellectual developmental disorder, autosomal dominant 1. Last evaluated: 2024-12-08. Review status: criteria provided, single submitter. Criteria: Invitae Variant Classification Sherloc (09022015). Collection method: clinical testing. Allele origin: germline.
Comment: This sequence change replaces serine, which is neutral and polar, with glycine, which is neutral and non-polar, at codon 484 of the MBD5 protein (p.Ser484Gly). This variant is present in population databases (rs749207931, gnomAD 0.006%). This variant has not been reported in the literature in individuals affected with MBD5-related conditions. Invitae Evidence Modeling of protein sequence and biophysical properties (such as structural, functional, and spatial information, amino acid conservation, physicochemical variation, residue mobility, and thermodynamic stability) indicates that this missense variant is not expected to disrupt MBD5 protein function with a negative predictive value of 80%. In summary, the available evidence is currently insufficient to determine the role of this variant in disease. Therefore, it has been classified as a Variant of Uncertain Significance.